The following is an entry in ClinVar:

NM_000290.4(PGAM2):c.382G>A (p.Glu128Lys)

Genes: DBNL (drebrin like; plus strand), PGAM2 (phosphoglycerate mutase 2; minus strand). Cytogenetic location: 7p13.
Variant type: single nucleotide variant.
Coding change: c.382G>A on transcript NM_000290.4 (MANE Select); coding-DNA position 382, G replaced by A.
Protein change: p.Glu128Lys; replaces glutamic acid 128 with lysine.
Molecular consequence: missense variant. On other transcripts: 3 prime UTR variant (6).
Genome position (GRCh38, 1-based): chr7:44,065,148, C>T on the plus strand (G>A on the coding strand, the complement: PGAM2 is on the minus strand). VCF-style: chr7-44065148-C-T. GRCh37 (hg19) VCF-style: chr7-44104747-C-T.
Other names: c.*4232C>T (NM_001014436.3, NM_001122956.2, NM_001284313.2 and 3 more transcripts); c.382G>A (NM_000290.3); short protein forms E128K.
Identifiers: ClinVar variation 2434671 (VCV002434671.5), dbSNP rs368147620, ClinGen allele CA157875563.

ClinVar aggregate classification (germline): Uncertain significance. Review status: criteria provided, multiple submitters, no conflicts (2 of 4 stars). 3 submissions from 3 submitters: Uncertain significance (3). Last evaluated 2023-11-25.

Conditions:
Glycogen storage disease type X (GSD10). Also called: Glycogen storage disease due to phosphoglycerate mutase deficiency; GSD X; MYOPATHY DUE TO PHOSPHOGLYCERATE MUTASE DEFICIENCY; PGAMM DEFICIENCY; PHOSPHOGLYCERATE MUTASE, MUSCLE, DEFICIENCY OF; Dimauro disease. Identifiers: Orphanet 97234, MedGen C0268149, MONDO:0009865, OMIM 261670.

Allele frequency attached by ClinVar (database versions not stated): gnomAD exomes 0.00002; gnomAD 0.00005; ESP Exome Variant Server 0.00008; TOPMed 0.00010.
gnomAD v4.1: 40 of 1,613,958 alleles (0.0025%); highest among the groups gnomAD compares: African/African-American, 0.024%; no homozygotes.

Submissions (3):

Labcorp Genetics (formerly Invitae), Labcorp
Classification: Uncertain significance for Glycogen storage disease type X. Last evaluated: 2023-11-25. Review status: criteria provided, single submitter. Criteria: Invitae Variant Classification Sherloc (09022015). Collection method: clinical testing. Allele origin: germline.
Comment: This sequence change replaces glutamic acid, which is acidic and polar, with lysine, which is basic and polar, at codon 128 of the PGAM2 protein (p.Glu128Lys). This variant is present in population databases (rs368147620, gnomAD 0.03%). This variant has not been reported in the literature in individuals affected with PGAM2-related conditions. ClinVar contains an entry for this variant (Variation ID: 2434671). An algorithm developed to predict the effect of missense changes on protein structure and function (PolyPhen-2) suggests that this variant¬†is likely to be tolerated. In summary, the available evidence is currently insufficient to determine the role of this variant in disease. Therefore, it has been classified as a Variant of Uncertain Significance.

GeneDx
Classification: Uncertain significance. Last evaluated: 2023-09-27. Review status: criteria provided, single submitter. Criteria: GeneDx Variant Classification Process June 2021. Collection method: clinical testing. Allele origin: germline. Affected: yes.
Comment: In silico analysis supports that this missense variant does not alter protein structure/function; Has not been previously published as pathogenic or benign to our knowledge

Revvity Omics, Revvity
Classification: Uncertain significance for Glycogen storage disease type X. Last evaluated: 2022-12-13. Review status: criteria provided, single submitter. Criteria: ACMG Guidelines, 2015. Collection method: clinical testing. Allele origin: germline.